The following is an entry in ClinVar:

ClinVar aggregate classification (germline): Uncertain significance. Review status: criteria provided, multiple submitters, no conflicts (2 of 4 stars). 2 submissions from 2 submitters: Uncertain significance (2). Last evaluated 2023-05-05.

Allele frequency attached by ClinVar (database versions not stated): gnomAD exomes 0.00003.
gnomAD v4.1: 40 of 1,613,734 alleles (0.0025%); highest among the groups gnomAD compares: Non-Finnish European, 0.0034%; no homozygotes.

Submissions (2):

Athena Diagnostics
Classification: Uncertain significance. Last evaluated: 2023-05-05. Review status: criteria provided, single submitter. Criteria: Athena Diagnostics Criteria. Collection method: clinical testing. Allele origin: unknown.
Comment: Available data are insufficient to determine the clinical significance of the variant at this time. The frequency of this variant in the general population is uninformative in assessment of its pathogenicity. Computational tools disagree on the variant's effect on normal protein function.

Blueprint Genetics
Classification: Uncertain significance. Last evaluated: 2020-11-10. Review status: criteria provided, single submitter. Criteria: ACMG Guidelines, 2015. Collection method: clinical testing. Allele origin: germline.

Literature cited by the submitters: PubMed 35506080 (cited by Athena Diagnostics).

NM_000435.3(NOTCH3):c.5990A>G (p.Asn1997Ser)

Gene: NOTCH3 (notch receptor 3; minus strand). Cytogenetic location: 19p13.12.
Variant type: single nucleotide variant.
Coding change: c.5990A>G on transcript NM_000435.3 (MANE Select); coding-DNA position 5990, A replaced by G.
Protein change: p.Asn1997Ser; replaces asparagine 1997 with serine.
Molecular consequence: missense variant.
Genome position (GRCh38, 1-based): chr19:15,161,638, T>C on the plus strand (A>G on the coding strand, the complement: NOTCH3 is on the minus strand). VCF-style: chr19-15161638-T-C. GRCh37 (hg19) VCF-style: chr19-15272449-T-C.
Other names: short protein forms N1997S.
Identifiers: ClinVar variation 2684143 (VCV002684143.2), dbSNP rs1281503915, ClinGen allele CA404490894.